The following is an entry in ClinVar:

NM_024700.4(SNIP1):c.412del (p.Ser138fs)

Genes: SNIP1 (Smad nuclear interacting protein 1; minus strand), LOC126805704 (BRD4-independent group 4 enhancer GRCh37_chr1:38005292-38006491; plus strand). Cytogenetic location: 1p34.3.
Variant type: Deletion.
Coding change: c.412del on transcript NM_024700.4 (MANE Select); coding-DNA position 412, one base deleted (A; older notation c.412delA).
Protein change: p.Ser138fs; shifts the reading frame from serine 138.
Molecular consequence: frameshift variant.
Genome position (GRCh38, 1-based): chr1:37,540,671, T deleted on the plus strand (A on the coding strand, the reverse complement: SNIP1 is on the minus strand). VCF-style (leftmost placement, unchanged base first): chr1-37540670-CT-C. GRCh37 (hg19) VCF-style: chr1-38006271-CT-C.
Other names: short protein forms S138fs.
Identifiers: ClinVar variation 1999002 (VCV001999002.4), dbSNP rs2522349767, ClinGen allele CA2580062707.

ClinVar aggregate classification (germline): Uncertain significance (1 of 4 stars; one submission).

Submission:

Labcorp Genetics (formerly Invitae), Labcorp
Classification: Uncertain significance. Last evaluated: 2024-10-24. Review status: criteria provided, single submitter. Criteria: Invitae Variant Classification Sherloc (09022015). Collection method: clinical testing. Allele origin: germline.
Comment: This sequence change creates a premature translational stop signal (p.Ser138Valfs*105) in the SNIP1 gene. It is expected to result in an absent or disrupted protein product. However, the current clinical and genetic evidence is not sufficient to establish whether loss-of-function variants in SNIP1 cause disease. This variant is not present in population databases (gnomAD no frequency). This variant has not been reported in the literature in individuals affected with SNIP1-related conditions. ClinVar contains an entry for this variant (Variation ID: 1999002). In summary, the available evidence is currently insufficient to determine the role of this variant in disease. Therefore, it has been classified as a Variant of Uncertain Significance.